The following is an entry in ClinVar:

ClinVar aggregate classification (germline): Uncertain significance (1 of 4 stars; one submission).

Conditions:
Baller-Gerold syndrome (BGS). Also called: CRANIOSYNOSTOSIS WITH RADIAL DEFECTS. Identifiers: Orphanet 1225, MedGen C0265308, MONDO:0009039, OMIM 218600.

Allele frequency attached by ClinVar (database versions not stated): gnomAD exomes below 0.00001 and 0.00001; ExAC 0.00001.
gnomAD v4.1: 14 of 1,611,172 alleles (0.00087%); highest among the groups gnomAD compares: Middle Eastern, 0.083%; no homozygotes.

Submission:

Labcorp Genetics (formerly Invitae), Labcorp
Classification: Uncertain significance for Baller-Gerold syndrome. Last evaluated: 2024-02-29. Review status: criteria provided, single submitter. Criteria: Invitae Variant Classification Sherloc (09022015). Collection method: clinical testing. Allele origin: germline.
Comment: This sequence change falls in intron 10 of the RECQL4 gene. It does not directly change the encoded amino acid sequence of the RECQL4 protein. It affects a nucleotide within the consensus splice site. This variant is present in population databases (rs747653079, gnomAD 0.003%). This variant has not been reported in the literature in individuals affected with RECQL4-related conditions. ClinVar contains an entry for this variant (Variation ID: 645629). Variants that disrupt the consensus splice site are a relatively common cause of aberrant splicing (PMID: 17576681, 9536098). Algorithms developed to predict the effect of sequence changes on RNA splicing suggest that this variant is not likely to affect RNA splicing. In summary, the available evidence is currently insufficient to determine the role of this variant in disease. Therefore, it has been classified as a Variant of Uncertain Significance.

Literature cited by the submitters: PubMed 17576681; PubMed 9536098.

NM_004260.4(RECQL4):c.1704+6G>T

Gene: RECQL4 (RecQ like helicase 4; minus strand). Cytogenetic location: 8q24.3.
Variant type: single nucleotide variant.
Coding change: c.1704+6G>T on transcript NM_004260.4 (MANE Select); 6 bases into the intron after coding-DNA position 1704, G replaced by T.
Molecular consequence: intron variant.
Genome position (GRCh38, 1-based): chr8:144,514,436, C>A on the plus strand (G>T on the coding strand, the complement: RECQL4 is on the minus strand). VCF-style: chr8-144514436-C-A. GRCh37 (hg19) VCF-style: chr8-145739820-C-A.
Identifiers: ClinVar variation 645629 (VCV000645629.4), dbSNP rs747653079, ClinGen allele CA4948710.